The following is an entry in ClinVar:

ClinVar aggregate classification (germline): Uncertain significance (1 of 4 stars; one submission).

Conditions:
Fanconi anemia (FA). Also called: Fanconi's anemia. Identifiers: Orphanet 84, MedGen C0015625, MeSH D005199, MONDO:0019391.

Allele frequency attached by ClinVar (database versions not stated): gnomAD 0.00001.

Submission:

Labcorp Genetics (formerly Invitae), Labcorp
Classification: Uncertain significance for Fanconi anemia. Last evaluated: 2023-05-11. Review status: criteria provided, single submitter. Criteria: Invitae Variant Classification Sherloc (09022015). Collection method: clinical testing. Allele origin: germline.
Comment: Advanced modeling of protein sequence and biophysical properties (such as structural, functional, and spatial information, amino acid conservation, physicochemical variation, residue mobility, and thermodynamic stability) performed at Invitae indicates that this missense variant is not expected to disrupt FANCA protein function. This variant has not been reported in the literature in individuals affected with FANCA-related conditions. This variant is not present in population databases (gnomAD no frequency). This sequence change replaces methionine, which is neutral and non-polar, with leucine, which is neutral and non-polar, at codon 116 of the FANCA protein (p.Met116Leu). In summary, the available evidence is currently insufficient to determine the role of this variant in disease. Therefore, it has been classified as a Variant of Uncertain Significance.

NM_000135.4(FANCA):c.346A>C (p.Met116Leu)

Gene: FANCA (FA complementation group A; minus strand). Cytogenetic location: 16q24.3.
Variant type: single nucleotide variant.
Coding change: c.346A>C on transcript NM_000135.4 (MANE Select); coding-DNA position 346, A replaced by C.
Protein change: p.Met116Leu; replaces methionine 116 with leucine.
Molecular consequence: missense variant.
Genome position (GRCh38, 1-based): chr16:89,811,009, T>G on the plus strand (A>C on the coding strand, the complement: FANCA is on the minus strand). VCF-style: chr16-89811009-T-G. GRCh37 (hg19) VCF-style: chr16-89877417-T-G.
Other names: c.346A>C, p.Met116Leu (NM_001018112.3, NM_001286167.3, NM_001351830.2); short protein forms M116L.
Identifiers: ClinVar variation 2711764 (VCV002711764.3), dbSNP rs1598190909, ClinGen allele CA397481007.